The following is an entry in ClinVar:

NM_002878.4(RAD51D):c.481-2A>T

Genes: RAD51L3-RFFL (RAD51L3-RFFL readthrough; minus strand), RAD51D (RAD51 paralog D; minus strand). Cytogenetic location: 17q12.
Variant type: single nucleotide variant.
Coding change: c.481-2A>T on transcript NM_002878.4 (MANE Select); the canonical splice acceptor site of the intron before coding-DNA position 481, A replaced by T.
Molecular consequence: splice acceptor variant.
Genome position (GRCh38, 1-based): chr17:35,106,483, T>A on the plus strand (A>T on the coding strand, the complement: RAD51D is on the minus strand). VCF-style: chr17-35106483-T-A. GRCh37 (hg19) VCF-style: chr17-33433502-T-A.
Other names: c.145-2A>T (NM_133629.3); c.541-2A>T (NM_001142571.2).
Identifiers: ClinVar variation 1743293 (VCV001743293.2), dbSNP rs2091605461, ClinGen allele CA399089100.

ClinVar aggregate classification (germline): Uncertain significance (1 of 4 stars; one submission).

Conditions:
Hereditary cancer-predisposing syndrome. Also called: Hereditary Cancer Syndrome; Neoplastic Syndromes, Hereditary; Tumor predisposition; Hereditary neoplastic syndrome. Identifiers: Orphanet 140162, MedGen C0027672, MeSH D009386, MONDO:0015356.

Allele frequency attached by ClinVar (database versions not stated): gnomAD exomes below 0.00001.

Submission:

Ambry Genetics
Classification: Uncertain significance for Hereditary cancer-predisposing syndrome. Last evaluated: 2022-05-24. Review status: criteria provided, single submitter. Criteria: Ambry Variant Classification Scheme 2023. Collection method: clinical testing. Allele origin: germline.
Comment: The c.481-2A>T intronic variant results from an A to T substitution two nucleotides upstream from coding exon 6 in the RAD51D gene. This nucleotide position is highly conserved in available vertebrate species. In silico splice site analysis predicts that this alteration will weaken the native splice acceptor site and will result in the creation or strengthening of a novel splice acceptor site. The resulting transcript is predicted to be in-frame and is not expected to trigger nonsense-mediated mRNA decay; however, direct evidence is unavailable. The exact functional effect of the altered amino acid sequence is unknown. Since supporting evidence is limited at this time, the clinical significance of this alteration remains unclear.